The following is an entry in ClinVar:

NM_001378477.3(NYX):c.698A>T (p.Asn233Ile)

Gene: NYX (nyctalopin; plus strand). Cytogenetic location: Xp11.4.
Variant type: single nucleotide variant.
Coding change: c.698A>T on transcript NM_001378477.3 (MANE Select); coding-DNA position 698, A replaced by T.
Protein change: p.Asn233Ile; replaces asparagine 233 with isoleucine.
Molecular consequence: missense variant.
Genome position (GRCh38, 1-based): chrX:41,474,166, A>T. VCF-style: chrX-41474166-A-T. GRCh37 (hg19) VCF-style: chrX-41333419-A-T.
Other names: c.698A>T, p.Asn233Ile (NM_022567.3); short protein forms N233I.
Identifiers: ClinVar variation 1026172 (VCV001026172.8), dbSNP rs2064377383, ClinGen allele CA412991085.

ClinVar aggregate classification (germline): Uncertain significance (1 of 4 stars; one submission).

Submission:

Labcorp Genetics (formerly Invitae), Labcorp
Classification: Uncertain significance. Last evaluated: 2020-04-18. Review status: criteria provided, single submitter. Criteria: Invitae Variant Classification Sherloc (09022015). Collection method: clinical testing. Allele origin: germline.
Comment: In summary, the available evidence is currently insufficient to determine the role of this variant in disease. Therefore, it has been classified as a Variant of Uncertain Significance. Algorithms developed to predict the effect of missense changes on protein structure and function (SIFT, PolyPhen-2, Align-GVGD) all suggest that this variant is likely to be disruptive, but these predictions have not been confirmed by published functional studies and their clinical significance is uncertain. This variant has not been reported in the literature in individuals with NYX-related conditions. The frequency data for this variant in the population databases is considered unreliable, as metrics indicate insufficient coverage at this position in the ExAC database. This sequence change replaces asparagine with isoleucine at codon 238 of the NYX protein (p.Asn238Ile). The asparagine residue is highly conserved and there is a large physicochemical difference between asparagine and isoleucine.